The following is an entry in ClinVar:

NM_000138.5(FBN1):c.7828G>T (p.Glu2610Ter)

Gene: FBN1 (fibrillin 1; minus strand). Cytogenetic location: 15q21.1.
Variant type: single nucleotide variant.
Coding change: c.7828G>T on transcript NM_000138.5 (MANE Select); coding-DNA position 7828, G replaced by T.
Protein change: p.Glu2610Ter; replaces glutamic acid 2610 with a stop codon.
Molecular consequence: nonsense.
Genome position (GRCh38, 1-based): chr15:48,415,759, C>A on the plus strand (G>T on the coding strand, the complement: FBN1 is on the minus strand). VCF-style: chr15-48415759-C-A. GRCh37 (hg19) VCF-style: chr15-48707956-C-A.
Other names: c.7828G>T, p.Glu2610Ter (NM_001406716.1); short protein forms E2610*.
Identifiers: ClinVar variation 4796802 (VCV004796802.1).
Genomic context (GRCh38, chr15:48,415,759, plus strand): 5'-TGTAGCTCCCCAGGGTGTTGTGACAGGAGGCTCCTCCGCAGATGTGAGCGCTGAGGCATT[C>A]GTTTTCATCTGCAGGCAAAATAAGAAGCGGCATGTGTGGCAGCAGCCAGAGATTTCTATT-3'

ClinVar aggregate classification (germline): Likely pathogenic (1 of 4 stars; one submission).

Conditions:
Marfan syndrome (MFS). Also called: FBN1-Related Marfan Syndrome; MARFAN SYNDROME, TYPE I; Marfan syndrome type 1; Marfan's syndrome; Marfan syndrome, classic. Identifiers: Orphanet 284963, Orphanet 558, MedGen C0024796, MONDO:0007947, OMIM 154700.

Submission:

MVZ Medizinische Genetik Mainz
Classification: Likely pathogenic for Marfan syndrome. Last evaluated: 2026-02-02. Review status: criteria provided, single submitter. Criteria: UK Practice Guidelines For Variant Classification V4 01 2020. Collection method: clinical testing. Allele origin: germline. Inheritance: Autosomal dominant inheritance. Affected: yes. Observed: 1 variant allele.
Comment: ACMG Criteria: PVS1,PM2_SUP